The following is an entry in ClinVar:

ClinVar aggregate classification (germline): Uncertain significance (1 of 4 stars; one submission).

Conditions:
Hereditary breast ovarian cancer syndrome. Also called: Hereditary breast and ovarian cancer syndrome; Hereditary breast and ovarian cancer syndrome (HBOC); BRCA1- and BRCA2-Associated Hereditary Breast and Ovarian Cancer; Hereditary breast and ovarian cancer; Hereditary breast and/or ovarian cancer syndrome; Breast and ovarian cancer. Identifiers: Orphanet 145, MedGen C0677776, MeSH D061325, MONDO:0003582. Disease mechanism: loss of function.

Submission:

Labcorp Genetics (formerly Invitae), Labcorp
Classification: Uncertain significance for Hereditary breast ovarian cancer syndrome. Last evaluated: 2024-05-06. Review status: criteria provided, single submitter. Criteria: Invitae Variant Classification Sherloc (09022015). Collection method: clinical testing. Allele origin: germline.
Comment: This sequence change replaces leucine, which is neutral and non-polar, with proline, which is neutral and non-polar, at codon 2721 of the BRCA2 protein (p.Leu2721Pro). This variant is not present in population databases (gnomAD no frequency). This missense change has been observed in individual(s) with a personal and/or family history of breast and/or ovarian cancer (PMID: 29752822, 29805665, 31825140). ClinVar contains an entry for this variant (Variation ID: 1037466). Advanced modeling of protein sequence and biophysical properties (such as structural, functional, and spatial information, amino acid conservation, physicochemical variation, residue mobility, and thermodynamic stability) has been performed at Invitae for this missense variant, however the output from this modeling did not meet the statistical confidence thresholds required to predict the impact of this variant on BRCA2 protein function. In summary, the available evidence is currently insufficient to determine the role of this variant in disease. Therefore, it has been classified as a Variant of Uncertain Significance.

Literature cited by the submitters: PubMed 29752822; PubMed 29805665; PubMed 31825140.

NM_000059.4(BRCA2):c.8162T>C (p.Leu2721Pro)

Gene: BRCA2 (BRCA2 DNA repair associated; plus strand). Cytogenetic location: 13q13.1.
Variant type: single nucleotide variant.
Coding change: c.8162T>C on transcript NM_000059.4 (MANE Select); coding-DNA position 8162, T replaced by C.
Protein change: p.Leu2721Pro; replaces leucine 2721 with proline.
Molecular consequence: missense variant.
Genome position (GRCh38, 1-based): chr13:32,363,364, T>C. VCF-style: chr13-32363364-T-C. GRCh37 (hg19) VCF-style: chr13-32937501-T-C.
Other names: short protein forms L2721P.
Identifiers: ClinVar variation 1037466 (VCV001037466.9), dbSNP rs80359061, ClinGen allele CA387749568.